The following is an entry in ClinVar:

NM_001942.4(DSG1):c.68G>A (p.Ser23Asn)

Gene: DSG1 (desmoglein 1; plus strand). Cytogenetic location: 18q12.1.
Variant type: single nucleotide variant.
Coding change: c.68G>A on transcript NM_001942.4 (MANE Select); coding-DNA position 68, G replaced by A.
Protein change: p.Ser23Asn; replaces serine 23 with asparagine.
Molecular consequence: missense variant.
Genome position (GRCh38, 1-based): chr18:31,326,600, G>A. VCF-style: chr18-31326600-G-A. GRCh37 (hg19) VCF-style: chr18-28906563-G-A.
Other names: short protein forms S23N.
Identifiers: ClinVar variation 3661244 (VCV003661244.2).
Genomic context (GRCh38, chr18:31,326,600, plus strand): 5'-TAATTAAAAAATAACTAGTGTGATTATCTTATTTTTTACAGGTGGTGGTAGAAGTTAACA[G>A]TGAATTCCGAATCCAGGTAATATATAACAAATCCATTTTTCCAAATTTTTAAACAAGAAA-3'
Protein context (NP_001933.2, residues 13-33): FIFLVVVEVN[Ser23Asn]EFRIQVRDYN

ClinVar aggregate classification (germline): Uncertain significance (1 of 4 stars; one submission).

gnomAD v4.1: 1 of 1,605,198 alleles (0.000062%); highest among the groups gnomAD compares: South Asian, 0.0011%; no homozygotes.

Submission:

Labcorp Genetics (formerly Invitae), Labcorp
Classification: Uncertain significance. Last evaluated: 2024-08-02. Review status: criteria provided, single submitter. Criteria: Invitae Variant Classification Sherloc (09022015). Collection method: clinical testing. Allele origin: germline.
Comment: This sequence change replaces serine, which is neutral and polar, with asparagine, which is neutral and polar, at codon 23 of the DSG1 protein (p.Ser23Asn). This variant is not present in population databases (gnomAD no frequency). This variant has not been reported in the literature in individuals affected with DSG1-related conditions. Advanced modeling of protein sequence and biophysical properties (such as structural, functional, and spatial information, amino acid conservation, physicochemical variation, residue mobility, and thermodynamic stability) performed at Invitae indicates that this missense variant is not expected to disrupt DSG1 protein function with a negative predictive value of 80%. In summary, the available evidence is currently insufficient to determine the role of this variant in disease. Therefore, it has been classified as a Variant of Uncertain Significance.